The following is an entry in ClinVar:

ClinVar aggregate classification (germline): Benign/Likely benign. Review status: criteria provided, multiple submitters, no conflicts (2 of 4 stars). 3 submissions from 3 submitters: Benign (1); Likely benign (2). Last evaluated 2025-01-28.

Conditions:
Hereditary nonpolyposis colorectal neoplasms. Identifiers: MedGen C0009405, MeSH D003123.
Hereditary cancer-predisposing syndrome. Also called: Neoplastic Syndromes, Hereditary; Tumor predisposition; Hereditary Cancer Syndrome; Hereditary neoplastic syndrome. Identifiers: Orphanet 140162, MedGen C0027672, MeSH D009386, MONDO:0015356.
Lynch syndrome 4 (LYNCH4). Also called: Hereditary non-polyposis colorectal cancer, type 4; Colorectal cancer, hereditary nonpolyposis, type 4. Identifiers: Orphanet 144, MedGen C1838333, MONDO:0013699, OMIM 614337. Disease mechanism: loss of function.

Submissions (3):

Myriad Genetics, Inc.
Classification: Benign for Lynch syndrome 4. Last evaluated: 2025-01-28. Review status: criteria provided, single submitter. Criteria: Myriad Autosomal Dominant, Autosomal Recessive and X-Linked Classification Criteria (2023). Collection method: clinical testing. Allele origin: unknown.
Comment: This variant is considered benign. This variant is a silent/synonymous amino acid change and it is not expected to impact splicing.

Labcorp Genetics (formerly Invitae), Labcorp
Classification: Likely benign for Hereditary nonpolyposis colorectal neoplasms. Last evaluated: 2022-05-07. Review status: criteria provided, single submitter. Criteria: Invitae Variant Classification Sherloc (09022015). Collection method: clinical testing. Allele origin: germline.

Ambry Genetics
Classification: Likely benign for Hereditary cancer-predisposing syndrome. Last evaluated: 2022-04-05. Review status: criteria provided, single submitter. Criteria: Ambry Variant Classification Scheme 2023. Collection method: clinical testing. Allele origin: germline.

NM_000535.7(PMS2):c.861A>G (p.Arg287=)

Gene: PMS2 (PMS1 homolog 2, mismatch repair system component; minus strand). Cytogenetic location: 7p22.1.
Variant type: single nucleotide variant.
Coding change: c.861A>G on transcript NM_000535.7 (MANE Select); coding-DNA position 861, A replaced by G.
Protein change: p.Arg287=; no amino-acid change (arginine 287 retained).
Molecular consequence: synonymous variant. On other transcripts: 5 prime UTR variant (2), non-coding transcript variant (1), intron variant (4).
Genome position (GRCh38, 1-based): chr7:5,995,576, T>C on the plus strand (A>G on the coding strand, the complement: PMS2 is on the minus strand). VCF-style: chr7-5995576-T-C. GRCh37 (hg19) VCF-style: chr7-6035207-T-C.
Other names: c.456A>G, p.Arg152= (NM_001018040.1, NM_001322003.2, NM_001322004.2 and 20 more transcripts); c.861A>G, p.Arg287= (NM_001322006.2, NM_001322014.2, NM_001406870.1 and 2 more transcripts); c.543A>G, p.Arg181= (NM_001322007.2, NM_001322008.2, NM_001406876.1 and 4 more transcripts); c.-73A>G (NM_001322011.2, NM_001322012.2); c.288A>G, p.Arg96= (NM_001322013.2, NM_001406909.1); c.552A>G, p.Arg184= (NM_001322015.2, NM_001406875.1, NM_001406877.1 and 6 more transcripts); c.1047A>G, p.Arg349= (NM_001406866.1); c.885A>G, p.Arg295= (NM_001406868.1); and 8 more.
Identifiers: ClinVar variation 1764051 (VCV001764051.8), dbSNP rs1554300756, ClinGen allele CA453645809.